The following is an entry in ClinVar:

ClinVar aggregate classification (germline): Uncertain significance. Review status: reviewed by expert panel (3 of 4 stars). 2 submissions from 2 submitters: Uncertain significance (1). 1 of the submissions does not count toward it. Last evaluated 2026-10-20.

Conditions:
Alexander disease (ALXDRD). Also called: Alexander's disease. Identifiers: Orphanet 58, MedGen C0270726, MONDO:0008752, OMIM 203450.

Submissions (2):

ClinGen Leukodystrophy and Leukoencephalopathy Variant Curation Expert Panel, ClinGen
Classification: Uncertain significance for Alexander disease. Last evaluated: 2026-10-20. Review status: reviewed by expert panel. Criteria: ClinGen Leuko ACMG Specifications GFAP V1.0. Collection method: curation. Allele origin: germline. Inheritance: Autosomal dominant inheritance.
Comment: The NM_002055.5(GFAP): c.257A>G (p.Lys86GArg) variant GFAP is a missense variant predicted to cause a substitution of lysine by arginine at amino acid 86 (p.Lys86Arg). One different missense variant, [GFAP- c.256A>G, p.Lys86Glu; [Variation ID: 190338], in the same codon has been classified as Likely Pathogenic for Alexander Disease [PM5]. This variant resides within a region, amino acids 59 – 88, of GFAP that is defined as a region with significant missense constraint by the ClinGen Leukodystrophy and Leukoencephalopathy Expert Panel Specifications to the ACMG/AMP Variant Interpretation Guidelines for GFAP Version 1.0.0 (PM1_Moderate). This variant is absent from gnomAD v[4.1.1] (PM2_Supporting). In summary, this variant meets the criteria to be classified as uncertain significance with insufficient evidence for Alexander Disease based on the ACMG/AMP criteria applied, as specified by the ClinGen Leukodystrophy and Leukoencephalopathy VCEP: PM5_Moderate, PM1_Moderate, and PM2_Supporting (ClinGen Leukodystrophy and Leukoencephalopathy VCEP Specifications Version 1.0.0).

Epithelial Biology;  Institute of Medical Biology, Singapore
No classification provided. Review status: no classification provided. Collection method: not provided. Allele origin: not provided. Not counted in ClinVar's aggregate classification.

NM_002055.5(GFAP):c.257A>G (p.Lys86Arg)

Gene: GFAP (glial fibrillary acidic protein; minus strand). Cytogenetic location: 17q21.31.
Variant type: single nucleotide variant.
Coding change: c.257A>G on transcript NM_002055.5 (MANE Select); coding-DNA position 257, A replaced by G.
Protein change: p.Lys86Arg; replaces lysine 86 with arginine.
Molecular consequence: missense variant.
Genome position (GRCh38, 1-based): chr17:44,915,230, T>C on the plus strand (A>G on the coding strand, the complement: GFAP is on the minus strand). VCF-style: chr17-44915230-T-C. GRCh37 (hg19) VCF-style: chr17-42992598-T-C.
Other names: NM_002055.5(GFAP):c.257A>G; p.Lys86Arg; c.257A>G, p.Lys86Arg (NM_001131019.3, NM_001242376.3, NM_001363846.2); short protein forms K86R.
Identifiers: ClinVar variation 66476 (VCV000066476.2), dbSNP rs267607524, ClinGen allele CA217176.